The following is an entry in ClinVar:

NM_001204.7(BMPR2):c.467C>T (p.Ala156Val)

Gene: BMPR2 (bone morphogenetic protein receptor type 2; plus strand). Cytogenetic location: 2q33.2.
Variant type: single nucleotide variant.
Coding change: c.467C>T on transcript NM_001204.7 (MANE Select); coding-DNA position 467, C replaced by T.
Protein change: p.Ala156Val; replaces alanine 156 with valine.
Molecular consequence: missense variant.
Genome position (GRCh38, 1-based): chr2:202,513,767, C>T. VCF-style: chr2-202513767-C-T. GRCh37 (hg19) VCF-style: chr2-203378490-C-T.
Other names: short protein forms A156V.
Identifiers: ClinVar variation 3824935 (VCV003824935.1).

ClinVar aggregate classification (germline): Uncertain significance (1 of 4 stars; one submission).

Conditions:
Inborn genetic diseases. Identifiers: MedGen C0950123, MeSH D030342.

gnomAD v4.1: 5 of 1,613,426 alleles (0.00031%); highest among the groups gnomAD compares: Non-Finnish European, 0.00042%; no homozygotes.

Submission:

Ambry Genetics
Classification: Uncertain significance for Inborn genetic diseases. Last evaluated: 2025-03-02. Review status: criteria provided, single submitter. Criteria: Ambry Variant Classification Scheme 2023. Collection method: clinical testing. Allele origin: germline.
Comment: The p.A156V variant (also known as c.467C>T), located in coding exon 4 of the BMPR2 gene, results from a C to T substitution at nucleotide position 467. The alanine at codon 156 is replaced by valine, an amino acid with similar properties. This amino acid position is conserved. In addition, the in silico prediction for this alteration is inconclusive. Based on the available evidence, the clinical significance of this variant remains unclear.